The following is an entry in ClinVar:

ClinVar aggregate classification (germline): Uncertain significance. Review status: criteria provided, multiple submitters, no conflicts (2 of 4 stars). 4 submissions from 4 submitters: Uncertain significance (4). Last evaluated 2026-04-01.

Conditions:
Macrothrombocytopenia and granulocyte inclusions with or without nephritis or sensorineural hearing loss (MATINS). Also called: MAY-HEGGLIN ANOMALY; DOHLE LEUKOCYTE INCLUSIONS WITH GIANT PLATELETS; MACROTHROMBOCYTOPENIA WITH LEUKOCYTE INCLUSIONS; BLEEDING DISORDER, PLATELET-TYPE, 6; SEBASTIAN PLATELET SYNDROME; MACROTHROMBOCYTOPENIA WITH DISPERSED LEUKOCYTIC INCLUSIONS. Identifiers: Orphanet 182050, MedGen C5200934, MONDO:0015912, OMIM 155100.
Autosomal dominant nonsyndromic hearing loss 17. Also called: Deafness, autosomal dominant 17; Autosomal dominant nonsyndromic deafness 17. Identifiers: Orphanet 90635, MedGen C1863659, MONDO:0011350, OMIM 603622.
Inborn genetic diseases. Identifiers: MedGen C0950123, MeSH D030342.

Allele frequency attached by ClinVar (database versions not stated): TOPMed below 0.00001.

Submissions (4):

GeneDx
Classification: Uncertain significance. Last evaluated: 2026-04-01. Review status: criteria provided, single submitter. Criteria: GeneDx Variant Classification Process June 2021. Collection method: clinical testing. Allele origin: germline.
Comment: Not observed at significant frequency in large population cohorts (gnomAD); In silico analysis supports that this missense variant has a deleterious effect on protein structure/function; Has not been previously published as pathogenic or benign to our knowledge

Labcorp Genetics (formerly Invitae), Labcorp
Classification: Uncertain significance. Last evaluated: 2025-10-23. Review status: criteria provided, single submitter. Criteria: Invitae Variant Classification Sherloc (09022015). Collection method: clinical testing. Allele origin: germline.
Comment: This sequence change replaces asparagine, which is neutral and polar, with serine, which is neutral and polar, at codon 1787 of the MYH9 protein (p.Asn1787Ser). This variant is not present in population databases (gnomAD no frequency). This variant has not been reported in the literature in individuals affected with MYH9-related conditions. ClinVar contains an entry for this variant (Variation ID: 2192040). Invitae Evidence Modeling of protein sequence and biophysical properties (such as structural, functional, and spatial information, amino acid conservation, physicochemical variation, residue mobility, and thermodynamic stability) indicates that this missense variant is not expected to disrupt MYH9 protein function with a negative predictive value of 95%. In summary, the available evidence is currently insufficient to determine the role of this variant in disease. Therefore, it has been classified as a Variant of Uncertain Significance.

Ambry Genetics
Classification: Uncertain significance for Inborn genetic diseases. Last evaluated: 2024-03-04. Review status: criteria provided, single submitter. Criteria: Ambry Variant Classification Scheme 2023. Collection method: clinical testing. Allele origin: germline.

Fulgent Genetics
Classification: Uncertain significance for Macrothrombocytopenia and granulocyte inclusions with or without nephritis or sensorineural hearing loss; Autosomal dominant nonsyndromic hearing loss 17. Last evaluated: 2024-01-18. Review status: criteria provided, single submitter. Criteria: ACMG Guidelines, 2015. Collection method: clinical testing. Allele origin: germline.

NM_002473.6(MYH9):c.5360A>G (p.Asn1787Ser)

Gene: MYH9 (myosin heavy chain 9; minus strand). Cytogenetic location: 22q12.3.
Variant type: single nucleotide variant.
Coding change: c.5360A>G on transcript NM_002473.6 (MANE Select); coding-DNA position 5360, A replaced by G.
Protein change: p.Asn1787Ser; replaces asparagine 1787 with serine.
Molecular consequence: missense variant.
Genome position (GRCh38, 1-based): chr22:36,285,244, T>C on the plus strand (A>G on the coding strand, the complement: MYH9 is on the minus strand). VCF-style: chr22-36285244-T-C. GRCh37 (hg19) VCF-style: chr22-36681290-T-C.
Other names: c.5360A>G (NM_002473.4); short protein forms N1787S.
Identifiers: ClinVar variation 2192040 (VCV002192040.7), dbSNP rs1818676655, ClinGen allele CA411373650.
Genomic context (GRCh38, chr22:36,285,244, plus strand): 5'-GCCTTGTACTTGGACTTGACAGTGCCCTCCATCTCCTGCAGCTTGACCTTAAGCTCCTTG[T>C]TCTGGCGTTCCAGCTGCTGCCGAGCATTCTCGTTCTTCTGGGCGTGGCTGCGCTCCAGGT-3'
Protein context (NP_002464.1, residues 1777-1797): ENARQQLERQ[Asn1787Ser]KELKVKLQEM